The following is an entry in ClinVar:

ClinVar aggregate classification (germline): Likely benign (1 of 4 stars; one submission).

Conditions:
FGFR3-related disorder. Also called: FGFR3-related disorders.

gnomAD v4.1: 5 of 1,613,028 alleles (0.00031%); highest among the groups gnomAD compares: East Asian, 0.0022%; no homozygotes.

Submission:

PreventionGenetics, part of Exact Sciences
Classification: Likely benign for FGFR3-related condition. Last evaluated: 2026-09-03. Review status: criteria provided, single submitter. Criteria: ACMG Guidelines, 2015. Collection method: clinical testing. Allele origin: germline.
Comment: This variant is classified as likely benign based on ACMG/AMP sequence variant interpretation guidelines (Richards et al. 2015 PMID: 25741868, with internal and published modifications).

NM_000142.5(FGFR3):c.1230C>T (p.Thr410=)

Gene: FGFR3 (fibroblast growth factor receptor 3; plus strand). Cytogenetic location: 4p16.3.
Variant type: single nucleotide variant.
Coding change: c.1230C>T on transcript NM_000142.5 (MANE Select); coding-DNA position 1230, C replaced by T.
Protein change: p.Thr410=; no amino-acid change (threonine 410 retained).
Molecular consequence: synonymous variant. On other transcripts: non-coding transcript variant (1), intron variant (1).
Genome position (GRCh38, 1-based): chr4:1,804,484, C>T. VCF-style: chr4-1804484-C-T. GRCh37 (hg19) VCF-style: chr4-1806211-C-T.
Other names: c.1236C>T, p.Thr412= (NM_001163213.2); c.1230C>T, p.Thr410= (NM_001354809.2, NM_001354810.2); c.931-340C>T (NM_022965.4).
Identifiers: ClinVar variation 4989250 (VCV004989250.1).